The following is an entry in ClinVar:

ClinVar aggregate classification (germline): Uncertain significance. Review status: criteria provided, multiple submitters, no conflicts (2 of 4 stars). 2 submissions from 2 submitters: Uncertain significance (2). Last evaluated 2025-08-03.

Conditions:
Dyskeratosis congenita, autosomal dominant 2. Identifiers: MedGen C3151443, MONDO:0013521, OMIM 613989.
Idiopathic Pulmonary Fibrosis. Also called: Idiopathic fibrosing alveolitis, chronic form; idiopathic fibrosing alveolitis. Identifiers: Orphanet 2032, MedGen C1800706, MeSH D054990, MONDO:0800504.
Dyskeratosis congenita. Identifiers: Orphanet 1775, MedGen C0265965, MONDO:0015780.

gnomAD v4.1: 1 of 1,589,524 alleles (0.000063%); highest among the groups gnomAD compares: Admixed American, 0.0017%; no homozygotes.

Submissions (2):

Labcorp Genetics (formerly Invitae), Labcorp
Classification: Uncertain significance for Dyskeratosis congenita, autosomal dominant 2; Idiopathic Pulmonary Fibrosis. Last evaluated: 2025-08-03. Review status: criteria provided, single submitter. Criteria: Invitae Variant Classification Sherloc (09022015). Collection method: clinical testing. Allele origin: germline.
Comment: This sequence change replaces proline, which is neutral and non-polar, with arginine, which is basic and polar, at codon 265 of the TERT protein (p.Pro265Arg). This variant is not present in population databases (gnomAD no frequency). This variant has not been reported in the literature in individuals affected with TERT-related conditions. ClinVar contains an entry for this variant (Variation ID: 837553). Invitae Evidence Modeling of protein sequence and biophysical properties (such as structural, functional, and spatial information, amino acid conservation, physicochemical variation, residue mobility, and thermodynamic stability) indicates that this missense variant is not expected to disrupt TERT protein function with a negative predictive value of 95%. In summary, the available evidence is currently insufficient to determine the role of this variant in disease. Therefore, it has been classified as a Variant of Uncertain Significance.

Ambry Genetics
Classification: Uncertain significance for Dyskeratosis congenita. Last evaluated: 2025-05-11. Review status: criteria provided, single submitter. Criteria: Ambry Variant Classification Scheme 2023. Collection method: clinical testing. Allele origin: germline.
Comment: The p.P265R variant (also known as c.794C>G), located in coding exon 2 of the TERT gene, results from a C to G substitution at nucleotide position 794. The proline at codon 265 is replaced by arginine, an amino acid with dissimilar properties. This amino acid position is conserved. In addition, the in silico prediction for this alteration is inconclusive. Based on the available evidence, the clinical significance of this variant remains unclear.

NM_198253.3(TERT):c.794C>G (p.Pro265Arg)

Gene: TERT (telomerase reverse transcriptase; minus strand). Cytogenetic location: 5p15.33.
Variant type: single nucleotide variant.
Coding change: c.794C>G on transcript NM_198253.3 (MANE Select); coding-DNA position 794, C replaced by G.
Protein change: p.Pro265Arg; replaces proline 265 with arginine.
Molecular consequence: missense variant. On other transcripts: non-coding transcript variant (2).
Genome position (GRCh38, 1-based): chr5:1,294,092, G>C on the plus strand (C>G on the coding strand, the complement: TERT is on the minus strand). VCF-style: chr5-1294092-G-C. GRCh37 (hg19) VCF-style: chr5-1294207-G-C.
Other names: c.794C>G, p.Pro265Arg (NM_001193376.3); short protein forms P265R.
Identifiers: ClinVar variation 837553 (VCV000837553.11), dbSNP rs890272771, ClinGen allele CA112915019.